The following is an entry in ClinVar:

NM_007294.4(BRCA1):c.4290_4296del (p.Pro1430_Ser1431insTer)

Gene: BRCA1 (BRCA1 DNA repair associated; minus strand). Cytogenetic location: 17q21.31.
Variant type: Deletion.
Coding change: c.4290_4296del on transcript NM_007294.4 (MANE Select); coding-DNA positions 4290 to 4296, 7 bases deleted (TTCCATC; older notation c.4290_4296delTTCCATC).
Protein change: p.Pro1430_Ser1431insTer.
Molecular consequence: frameshift variant. On other transcripts: nonsense (366), non-coding transcript variant (1).
Genome position (GRCh38, 1-based): chr17:43,082,465-43,082,471, GATGGAA deleted on the plus strand (TTCCATC on the coding strand, the reverse complement: BRCA1 is on the minus strand); deleting any 7 consecutive bases within chr17:43,082,465-43,082,472 gives the same sequence; the c. name uses the placement nearest the transcript's 3' end. VCF-style (leftmost placement, unchanged base first): chr17-43082464-TGATGGAA-T. GRCh37 (hg19) VCF-style: chr17-41234481-TGATGGAA-T.
Other names: 4409_4415del7; c.4076_4082delCTTCCAT, p.Ser1360Terfs (NM_001407853.1, NM_001407894.1, NM_001407895.1 and 12 more transcripts); c.4289_4295delCTTCCAT, p.Ser1431Terfs (NM_001407854.1, NM_001407858.1, NM_001407859.1 and 23 more transcripts); c.4286_4292delCTTCCAT, p.Ser1430Terfs (NM_001407860.1, NM_001407861.1, NM_001407587.1 and 21 more transcripts); c.4088_4094delCTTCCAT, p.Ser1364Terfs (NM_001407862.1); c.4166_4172delCTTCCAT, p.Ser1390Terfs (NM_001407863.1, NM_001407919.1, NM_001407937.1 and 13 more transcripts); c.4085_4091delCTTCCAT, p.Ser1363Terfs (NM_001407874.1, NM_001407875.1); c.4079_4085delCTTCCAT, p.Ser1361Terfs (NM_001407879.1, NM_001407881.1, NM_001407882.1 and 9 more transcripts); and 55 more.
Identifiers: ClinVar variation 266467 (VCV000266467.6), dbSNP rs886040222, ClinGen allele CA10589671.

ClinVar aggregate classification (germline): Pathogenic. Review status: reviewed by expert panel (3 of 4 stars). 2 submissions from 2 submitters: Pathogenic (1). 1 of the submissions does not count toward it. Last evaluated 2016-10-18.

Conditions:
Breast-ovarian cancer, familial, susceptibility to, 1 (BROVCA1). Also called: BRCA1 Hereditary Breast and Ovarian Cancer; OVARIAN CANCER, SUSCEPTIBILITY TO. Identifiers: Orphanet 145, MedGen C2676676, MONDO:0011450, OMIM 604370. Disease mechanism: loss of function.

Submissions (2):

Evidence-based Network for the Interpretation of Germline Mutant Alleles (ENIGMA)
Classification: Pathogenic for Breast-ovarian cancer, familial, susceptibility to, 1. Last evaluated: 2016-10-18. Review status: reviewed by expert panel. Criteria: ENIGMA BRCA1/2 Classification Criteria (2015). Collection method: curation. Allele origin: germline.
Comment: Variant allele predicted to encode a truncated non-functional protein.

Consortium of Investigators of Modifiers of BRCA1/2 (CIMBA), c/o University of Cambridge
Classification: Pathogenic for Breast-ovarian cancer, familial, susceptibility to, 1. Last evaluated: 2015-10-02. Review status: criteria provided, single submitter. Criteria: CIMBA Mutation Classification guidelines May 2016. Collection method: clinical testing. Allele origin: germline. Not counted in ClinVar's aggregate classification.